The following is an entry in ClinVar:

NM_005751.5(AKAP9):c.8798A>C (p.Glu2933Ala)

Gene: AKAP9 (A-kinase anchoring protein 9; plus strand). Cytogenetic location: 7q21.2.
Variant type: single nucleotide variant.
Coding change: c.8798A>C on transcript NM_005751.5 (MANE Select); coding-DNA position 8798, A replaced by C.
Protein change: p.Glu2933Ala; replaces glutamic acid 2933 with alanine.
Molecular consequence: missense variant.
Genome position (GRCh38, 1-based): chr7:92,084,906, A>C. VCF-style: chr7-92084906-A-C. GRCh37 (hg19) VCF-style: chr7-91714220-A-C.
Other names: c.3443A>C, p.Glu1148Ala (NM_001379277.1); c.8774A>C, p.Glu2925Ala (NM_147185.3); short protein forms E1148A, E2925A, E2933A.
Identifiers: ClinVar variation 1023737 (VCV001023737.8), dbSNP rs974881166, ClinGen allele CA161888127.
Genomic context (GRCh38, chr7:92,084,906, plus strand): 5'-TTTATCTTACACACAGTCAGGGATTTGACATAGCATCAGAAGGCCGAGGAGAAGAAAGTG[A>C]AAGTGCAACAGATTCCTTTCCAAAGAAAATAAAGGTACTAAAAGATAGATACCTTTTATT-3'
Protein context (NP_005742.4, residues 2923-2943): IASEGRGEES[Glu2933Ala]SATDSFPKKI

ClinVar aggregate classification (germline): Uncertain significance (1 of 4 stars; one submission).

Conditions:
Long QT syndrome (LQTS). Identifiers: MedGen C0023976, MeSH D008133, MONDO:0002442. Disease mechanism: loss of function. Inheritance: Various modes of inheritance.

Allele frequency attached by ClinVar (database versions not stated): gnomAD 0.00001.
gnomAD v4.1: 19 of 1,613,438 alleles (0.0012%); highest among the groups gnomAD compares: Admixed American, 0.0017%; no homozygotes.

Submission:

Labcorp Genetics (formerly Invitae), Labcorp
Classification: Uncertain significance for Long QT syndrome. Last evaluated: 2022-03-09. Review status: criteria provided, single submitter. Criteria: Invitae Variant Classification Sherloc (09022015). Collection method: clinical testing. Allele origin: germline.
Comment: This variant is not present in population databases (gnomAD no frequency). In summary, the available evidence is currently insufficient to determine the role of this variant in disease. Therefore, it has been classified as a Variant of Uncertain Significance. Algorithms developed to predict the effect of missense changes on protein structure and function are either unavailable or do not agree on the potential impact of this missense change (SIFT: "Deleterious"; PolyPhen-2: "Probably Damaging"; Align-GVGD: "Class C0"). ClinVar contains an entry for this variant (Variation ID: 1023737). This variant has not been reported in the literature in individuals affected with AKAP9-related conditions. This sequence change replaces glutamic acid, which is acidic and polar, with alanine, which is neutral and non-polar, at codon 2933 of the AKAP9 protein (p.Glu2933Ala).